The following is an entry in ClinVar:

ClinVar aggregate classification (germline): Uncertain significance (1 of 4 stars; one submission).

Conditions:
Inborn genetic diseases. Identifiers: MedGen C0950123, MeSH D030342.

gnomAD v4.1: 3 of 1,274,812 alleles (0.00024%); highest among the groups gnomAD compares: Non-Finnish European, 0.0003%; no homozygotes.

Submission:

Ambry Genetics
Classification: Uncertain significance for Inborn genetic diseases. Last evaluated: 2025-05-27. Review status: criteria provided, single submitter. Criteria: Ambry Variant Classification Scheme 2023. Collection method: clinical testing. Allele origin: germline.
Comment: The c.-3C>G variant is located in the 5' untranslated region (5&rsquo; UTR) of the CEBPA gene. This variant results from a C to G substitution 3 bases upstream from the first translated codon. This nucleotide position is not well conserved in available vertebrate species. Based on the available evidence, the clinical significance of this variant remains unclear.

NM_004364.5(CEBPA):c.-3C>G

Genes: CEBPA (CCAAT enhancer binding protein alpha; minus strand), LOC130064183 (ATAC-STARR-seq lymphoblastoid silent region 10495; plus strand). Cytogenetic location: 19q13.11.
Variant type: single nucleotide variant.
Coding change: c.-3C>G on transcript NM_004364.5 (MANE Select); 3 bases upstream of the start codon, C replaced by G.
Molecular consequence: 5 prime UTR variant. On other transcripts: missense variant (1).
Genome position (GRCh38, 1-based): chr19:33,302,417, G>C on the plus strand (C>G on the coding strand, the complement: CEBPA is on the minus strand). VCF-style: chr19-33302417-G-C. GRCh37 (hg19) VCF-style: chr19-33793323-G-C.
Other names: c.-360C>G (NM_001285829.2); c.103C>G, p.Pro35Ala (NM_001287424.2); c.-45C>G (NM_001287435.2); short protein forms P35A.
Identifiers: ClinVar variation 3999966 (VCV003999966.1).
Genomic context (GRCh38, chr19:33,302,417, plus strand): 5'-GCAGGTGGCTGCTCATCGGGGGCCGCGGCTCCGCCTCGTAGAAGTCGGCCGACTCCATGG[G>C]GGAGTTAGAGTTCTCCCGGCATGGCGAGCCTCGGCGGCCTCCAGCCTGCGCGGGGCGTCG-3'